The following is an entry in ClinVar:

ClinVar aggregate classification (germline): Uncertain significance (1 of 4 stars; one submission).

Conditions:
Dilated cardiomyopathy 1DD (CMD1DD). Identifiers: Orphanet 154, MedGen C2750995, MONDO:0013168, OMIM 613172.

Submission:

Labcorp Genetics (formerly Invitae), Labcorp
Classification: Uncertain significance for Dilated cardiomyopathy 1DD. Last evaluated: 2021-05-16. Review status: criteria provided, single submitter. Criteria: Invitae Variant Classification Sherloc (09022015). Collection method: clinical testing. Allele origin: germline.
Comment: This variant has not been reported in the literature in individuals with RBM20-related conditions. In summary, the available evidence is currently insufficient to determine the role of this variant in disease. Therefore, it has been classified as a Variant of Uncertain Significance. Experimental studies and prediction algorithms are not available or were not evaluated, and the functional significance of this variant is currently unknown. This variant is not present in population databases (ExAC no frequency). This variant, c.2443_2454del, results in the deletion of 4 amino acid(s) of the RBM20 protein (p.Pro815_Ala818del), but otherwise preserves the integrity of the reading frame.

NM_001134363.3(RBM20):c.2443_2454del (p.Pro815_Ala818del)

Gene: RBM20 (RNA binding motif protein 20; plus strand). Cytogenetic location: 10q25.2.
Variant type: Deletion.
Coding change: c.2443_2454del on transcript NM_001134363.3 (MANE Select); coding-DNA positions 2443 to 2454, 12 bases deleted (CCTGAGGGCGCC).
Protein change: p.Pro815_Ala818del.
Molecular consequence: inframe deletion.
Genome position (GRCh38, 1-based): chr10:110,812,840-110,812,851, CCTGAGGGCGCC deleted; deleting any 12 consecutive bases within chr10:110,812,837-110,812,851 gives the same sequence; the c. name uses the placement nearest the transcript's 3' end. VCF-style (leftmost placement, unchanged base first): chr10-110812836-GGCCCCTGAGGGC-G. GRCh37 (hg19) VCF-style: chr10-112572594-GGCCCCTGAGGGC-G.
Identifiers: ClinVar variation 1353838 (VCV001353838.8), dbSNP rs2135106138, ClinGen allele CA2573145562.
Genomic context (GRCh38, chr10:110,812,836, plus strand): 5'-CAGACACCCCCATCCGGATGACTCAGGCAAGGAAGATGGGCTGGGGCCAAAGGTCACTAG[GGCCCCTGAGGGC>G]GCCAAGGCCAAGCAGAATGAGAAAAATAAAACCAAGAGAACTGATAGAGACCAAGAAGGA-3'